The following is an entry in ClinVar:

ClinVar aggregate classification (germline): Uncertain significance (1 of 4 stars; one submission).

Conditions:
Nephronophthisis. Also called: Juvenile Nephronophthisis. Identifiers: Orphanet 655, MedGen C0687120, MONDO:0019005, HP:0000090.

gnomAD v4.1: 1 of 1,612,368 alleles (0.000062%); highest among the groups gnomAD compares: East Asian, 0.0022%; no homozygotes.

Submission:

Labcorp Genetics (formerly Invitae), Labcorp
Classification: Uncertain significance for Nephronophthisis. Last evaluated: 2023-08-17. Review status: criteria provided, single submitter. Criteria: Invitae Variant Classification Sherloc (09022015). Collection method: clinical testing. Allele origin: germline.
Comment: This sequence change replaces asparagine, which is neutral and polar, with lysine, which is basic and polar, at codon 827 of the NPHP4 protein (p.Asn827Lys). This variant is not present in population databases (gnomAD no frequency). This variant has not been reported in the literature in individuals affected with NPHP4-related conditions. In summary, the available evidence is currently insufficient to determine the role of this variant in disease. Therefore, it has been classified as a Variant of Uncertain Significance. Algorithms developed to predict the effect of sequence changes on RNA splicing suggest that this variant may disrupt the consensus splice site. Advanced modeling of protein sequence and biophysical properties (such as structural, functional, and spatial information, amino acid conservation, physicochemical variation, residue mobility, and thermodynamic stability) performed at Invitae indicates that this missense variant is expected to disrupt NPHP4 protein function. ClinVar contains an entry for this variant (Variation ID: 939680).

NM_015102.5(NPHP4):c.2481C>G (p.Asn827Lys)

Gene: NPHP4 (nephrocystin 4; minus strand). Cytogenetic location: 1p36.31.
Variant type: single nucleotide variant.
Coding change: c.2481C>G on transcript NM_015102.5 (MANE Select); coding-DNA position 2481, C replaced by G.
Protein change: p.Asn827Lys; replaces asparagine 827 with lysine.
Molecular consequence: missense variant. On other transcripts: non-coding transcript variant (1).
Genome position (GRCh38, 1-based): chr1:5,887,290, G>C on the plus strand (C>G on the coding strand, the complement: NPHP4 is on the minus strand). VCF-style: chr1-5887290-G-C. GRCh37 (hg19) VCF-style: chr1-5947350-G-C.
Other names: c.942C>G, p.Asn314Lys (NM_001291593.2); c.945C>G, p.Asn315Lys (NM_001291594.2); short protein forms N315K, N314K, N827K.
Identifiers: ClinVar variation 939680 (VCV000939680.9), dbSNP rs761721701, ClinGen allele CA338058528.